The following is an entry in ClinVar:

ClinVar aggregate classification (germline): Uncertain significance (1 of 4 stars; one submission).

Submission:

GeneDx
Classification: Uncertain significance. Last evaluated: 2025-01-23. Review status: criteria provided, single submitter. Criteria: GeneDx Variant Classification Process June 2021. Collection method: clinical testing. Allele origin: germline. Affected: yes.
Comment: Not observed at significant frequency in large population cohorts (gnomAD); In silico analysis supports that this missense variant has a deleterious effect on protein structure/function; Has not been previously published as pathogenic or benign to our knowledge

NM_014112.5(TRPS1):c.2814G>T (p.Lys938Asn)

Gene: TRPS1 (transcriptional repressor GATA binding 1; minus strand). Cytogenetic location: 8q23.3.
Variant type: single nucleotide variant.
Coding change: c.2814G>T on transcript NM_014112.5 (MANE Select); coding-DNA position 2814, G replaced by T.
Protein change: p.Lys938Asn; replaces lysine 938 with asparagine.
Molecular consequence: missense variant.
Genome position (GRCh38, 1-based): chr8:115,418,339, C>A on the plus strand (G>T on the coding strand, the complement: TRPS1 is on the minus strand). VCF-style: chr8-115418339-C-A. GRCh37 (hg19) VCF-style: chr8-116430567-C-A.
Other names: c.2787G>T, p.Lys929Asn (NM_001282902.3); c.2793G>T, p.Lys931Asn (NM_001282903.3); c.2775G>T, p.Lys925Asn (NM_001330599.2); short protein forms K925N, K929N, K931N, K938N.
Identifiers: ClinVar variation 4071882 (VCV004071882.1).